The following is an entry in ClinVar:

ClinVar aggregate classification (germline): Uncertain significance. Review status: criteria provided, multiple submitters, no conflicts (2 of 4 stars). 2 submissions from 2 submitters: Uncertain significance (2). Last evaluated 2026-01-18.

Conditions:
Inborn genetic diseases. Identifiers: MedGen C0950123, MeSH D030342.

gnomAD v4.1: 7 of 1,595,892 alleles (0.00044%); highest among the groups gnomAD compares: African/African-American, 0.0027%; no homozygotes.

Submissions (2):

Labcorp Genetics (formerly Invitae), Labcorp
Classification: Uncertain significance. Last evaluated: 2026-01-18. Review status: criteria provided, single submitter. Criteria: Invitae Variant Classification Sherloc (09022015). Collection method: clinical testing. Allele origin: germline.
Comment: This sequence change replaces asparagine, which is neutral and polar, with threonine, which is neutral and polar, at codon 140 of the BCL11B protein (p.Asn140Thr). This variant is present in population databases (rs368883479, gnomAD 0.007%). This variant has not been reported in the literature in individuals affected with BCL11B-related conditions. Invitae Evidence Modeling of protein sequence and biophysical properties (such as structural, functional, and spatial information, amino acid conservation, physicochemical variation, residue mobility, and thermodynamic stability) indicates that this missense variant is not expected to disrupt BCL11B protein function with a negative predictive value of 95%. In summary, the available evidence is currently insufficient to determine the role of this variant in disease. Therefore, it has been classified as a Variant of Uncertain Significance.

Ambry Genetics
Classification: Uncertain significance for Inborn genetic diseases. Last evaluated: 2025-11-20. Review status: criteria provided, single submitter. Criteria: Ambry Variant Classification Scheme 2023. Collection method: clinical testing. Allele origin: germline.

NM_138576.4(BCL11B):c.419A>C (p.Asn140Thr)

Gene: BCL11B (BCL11 transcription factor B; minus strand). Cytogenetic location: 14q32.2.
Variant type: single nucleotide variant.
Coding change: c.419A>C on transcript NM_138576.4 (MANE Select); coding-DNA position 419, A replaced by C.
Protein change: p.Asn140Thr; replaces asparagine 140 with threonine.
Molecular consequence: missense variant.
Genome position (GRCh38, 1-based): chr14:99,257,479, T>G on the plus strand (A>C on the coding strand, the complement: BCL11B is on the minus strand). VCF-style: chr14-99257479-T-G. GRCh37 (hg19) VCF-style: chr14-99723816-T-G.
Other names: c.416A>C, p.Asn139Thr (NM_001282237.2, NM_001282238.2); c.419A>C, p.Asn140Thr (NM_022898.3); short protein forms N140T, N139T.
Identifiers: ClinVar variation 4595786 (VCV004595786.2).